The following is an entry in ClinVar:

ClinVar aggregate classification (germline): Uncertain significance (1 of 4 stars; one submission).

Conditions:
Atrioventricular septal defect 4 (AVSD4). Identifiers: MedGen C3280781, MONDO:0013747, OMIM 614430.

Submission:

Labcorp Genetics (formerly Invitae), Labcorp
Classification: Uncertain significance for Atrioventricular septal defect 4. Last evaluated: 2024-08-01. Review status: criteria provided, single submitter. Criteria: Invitae Variant Classification Sherloc (09022015). Collection method: clinical testing. Allele origin: germline.
Comment: This sequence change replaces aspartic acid, which is acidic and polar, with valine, which is neutral and non-polar, at codon 231 of the GATA4 protein (p.Asp231Val). This variant is not present in population databases (gnomAD no frequency). This variant has not been reported in the literature in individuals affected with GATA4-related conditions. Advanced modeling of protein sequence and biophysical properties (such as structural, functional, and spatial information, amino acid conservation, physicochemical variation, residue mobility, and thermodynamic stability) performed at Invitae indicates that this missense variant is expected to disrupt GATA4 protein function with a positive predictive value of 80%. In summary, the available evidence is currently insufficient to determine the role of this variant in disease. Therefore, it has been classified as a Variant of Uncertain Significance.

NM_001308093.3(GATA4):c.695A>T (p.Asp232Val)

Gene: GATA4 (GATA binding protein 4). Cytogenetic location: 8p23.1.
Variant type: single nucleotide variant.
Coding change: c.695A>T on transcript NM_001308093.3 (MANE Select); coding-DNA position 695, A replaced by T.
Protein change: p.Asp232Val; replaces aspartic acid 232 with valine.
Molecular consequence: missense variant.
Genome position (GRCh38, 1-based): chr8:11,748,994, A>T. VCF-style: chr8-11748994-A-T. GRCh37 (hg19) VCF-style: chr8-11606503-A-T.
Other names: c.74A>T, p.Asp25Val (NM_001308094.2, NM_001374273.1, NM_001374274.1); c.692A>T, p.Asp231Val (NM_002052.5); short protein forms D231V, D25V, D232V.
Identifiers: ClinVar variation 3654722 (VCV003654722.2).